The following is an entry in ClinVar:

ClinVar aggregate classification (germline): Uncertain significance (1 of 4 stars; one submission).

Submission:

Labcorp Genetics (formerly Invitae), Labcorp
Classification: Uncertain significance. Last evaluated: 2024-04-22. Review status: criteria provided, single submitter. Criteria: Invitae Variant Classification Sherloc (09022015). Collection method: clinical testing. Allele origin: germline.
Comment: This sequence change replaces serine, which is neutral and polar, with arginine, which is basic and polar, at codon 503 of the MYLK3 protein (p.Ser503Arg). This variant is not present in population databases (gnomAD no frequency). This variant has not been reported in the literature in individuals affected with MYLK3-related conditions. An algorithm developed to predict the effect of missense changes on protein structure and function (PolyPhen-2) suggests that this variant is likely to be tolerated. In summary, the available evidence is currently insufficient to determine the role of this variant in disease. Therefore, it has been classified as a Variant of Uncertain Significance.

NM_182493.3(MYLK3):c.1509C>A (p.Ser503Arg)

Gene: MYLK3 (myosin light chain kinase 3; minus strand). Cytogenetic location: 16q11.2.
Variant type: single nucleotide variant.
Coding change: c.1509C>A on transcript NM_182493.3 (MANE Select); coding-DNA position 1509, C replaced by A.
Protein change: p.Ser503Arg; replaces serine 503 with arginine.
Molecular consequence: missense variant.
Genome position (GRCh38, 1-based): chr16:46,730,652, G>T on the plus strand (C>A on the coding strand, the complement: MYLK3 is on the minus strand). VCF-style: chr16-46730652-G-T. GRCh37 (hg19) VCF-style: chr16-46764564-G-T.
Other names: c.486C>A, p.Ser162Arg (NM_001308301.1); short protein forms S162R, S503R.
Identifiers: ClinVar variation 3695239 (VCV003695239.2).